The following is an entry in ClinVar:

ClinVar aggregate classification (germline): Uncertain significance. Review status: criteria provided, multiple submitters, no conflicts (2 of 4 stars). 2 submissions from 2 submitters: Uncertain significance (2). Last evaluated 2025-03-05.

Conditions:
Inborn genetic diseases. Identifiers: MedGen C0950123, MeSH D030342.

gnomAD v4.1: 1 of 1,614,000 alleles (0.000062%); highest among the groups gnomAD compares: Non-Finnish European, 0.000085%; no homozygotes.

Submissions (2):

Ambry Genetics
Classification: Uncertain significance for Inborn genetic diseases. Last evaluated: 2025-03-05. Review status: criteria provided, single submitter. Criteria: Ambry Variant Classification Scheme 2023. Collection method: clinical testing. Allele origin: germline.
Comment: The p.Q247R variant (also known as c.740A>G), located in coding exon 5 of the MECOM gene, results from an A to G substitution at nucleotide position 740. The glutamine at codon 247 is replaced by arginine, an amino acid with highly similar properties. This amino acid position is conserved. In addition, this alteration is predicted to be tolerated by in silico analysis. Based on the available evidence, the clinical significance of this variant remains unclear.

Labcorp Genetics (formerly Invitae), Labcorp
Classification: Uncertain significance. Last evaluated: 2024-10-17. Review status: criteria provided, single submitter. Criteria: Invitae Variant Classification Sherloc (09022015). Collection method: clinical testing. Allele origin: germline.
Comment: This sequence change replaces glutamine, which is neutral and polar, with arginine, which is basic and polar, at codon 59 of the MECOM protein (p.Gln59Arg). This variant is not present in population databases (gnomAD no frequency). This variant has not been reported in the literature in individuals affected with MECOM-related conditions. An algorithm developed to predict the effect of missense changes on protein structure and function (PolyPhen-2) suggests that this variant is likely to be tolerated. In summary, the available evidence is currently insufficient to determine the role of this variant in disease. Therefore, it has been classified as a Variant of Uncertain Significance.

NM_004991.4(MECOM):c.740A>G (p.Gln247Arg)

Gene: MECOM (MDS1 and EVI1 complex locus; minus strand). Cytogenetic location: 3q26.2.
Variant type: single nucleotide variant.
Coding change: c.740A>G on transcript NM_004991.4 (MANE Select); coding-DNA position 740, A replaced by G.
Protein change: p.Gln247Arg; replaces glutamine 247 with arginine.
Molecular consequence: missense variant.
Genome position (GRCh38, 1-based): chr3:169,127,934, T>C on the plus strand (A>G on the coding strand, the complement: MECOM is on the minus strand). VCF-style: chr3-169127934-T-C. GRCh37 (hg19) VCF-style: chr3-168845722-T-C.
Other names: c.740A>G (NM_004991.3); c.368A>G, p.Gln123Arg (NM_001105077.4); c.176A>G, p.Gln59Arg (NM_001366472.2, NM_001366474.2, NM_005241.4 and 9 more transcripts); c.740A>G, p.Gln247Arg (NM_001366473.2, NM_001366466.2); short protein forms Q247R, Q59R, Q123R.
Identifiers: ClinVar variation 3683822 (VCV003683822.3).